The following is an entry in ClinVar:

ClinVar aggregate classification (germline): Uncertain significance (1 of 4 stars; one submission).

Submission:

Labcorp Genetics (formerly Invitae), Labcorp
Classification: Uncertain significance. Last evaluated: 2025-12-03. Review status: criteria provided, single submitter. Criteria: Invitae Variant Classification Sherloc (09022015). Collection method: clinical testing. Allele origin: germline.
Comment: This sequence change replaces arginine, which is basic and polar, with leucine, which is neutral and non-polar, at codon 272 of the HNF1A protein (p.Arg272Leu). This variant is not present in population databases (gnomAD no frequency). This missense change has been observed in individual(s) with clinical features of HNF1A-related conditions (PMID: 36257325). Invitae Evidence Modeling of protein sequence and biophysical properties (such as structural, functional, and spatial information, amino acid conservation, physicochemical variation, residue mobility, and thermodynamic stability) has been performed for this missense variant. However, the output from this modeling did not meet the statistical confidence thresholds required to predict the impact of this variant on HNF1A protein function. This variant disrupts the p.Arg272 amino acid residue in HNF1A. Other variant(s) that disrupt this residue have been determined to be pathogenic (PMID: 9032114, 21823540, 29439679). This suggests that this residue is clinically significant, and that variants that disrupt this residue are likely to be disease-causing. In summary, the available evidence is currently insufficient to determine the role of this variant in disease. Therefore, it has been classified as a Variant of Uncertain Significance.

Literature cited by the submitters: PubMed 36257325; PubMed 9032114; PubMed 21823540; PubMed 29439679.

NM_000545.8(HNF1A):c.815G>T (p.Arg272Leu)

Gene: HNF1A (HNF1 homeobox A; plus strand). Cytogenetic location: 12q24.31.
Variant type: single nucleotide variant.
Coding change: c.815G>T on transcript NM_000545.8 (MANE Select); coding-DNA position 815, G replaced by T.
Protein change: p.Arg272Leu; replaces arginine 272 with leucine.
Molecular consequence: missense variant.
Genome position (GRCh38, 1-based): chr12:120,994,265, G>T. VCF-style: chr12-120994265-G-T. GRCh37 (hg19) VCF-style: chr12-121432068-G-T.
Other names: c.815G>T, p.Arg272Leu (NM_001306179.2, NM_001406915.1); short protein forms R272L.
Identifiers: ClinVar variation 4734209 (VCV004734209.1).
Genomic context (GRCh38, chr12:120,994,265, plus strand): 5'-AGGGGCTGGGCTCCAACCTCGTCACGGAGGTGCGTGTCTACAACTGGTTTGCCAACCGGC[G>T]CAAAGAAGAAGCCTTCCGGCACAAGCTGGCCATGGACACGTACAGCGGGCCCCCCCCAGG-3'
Protein context (NP_000536.6, residues 262-282): VRVYNWFANR[Arg272Leu]KEEAFRHKLA